The following is an entry in ClinVar:

ClinVar aggregate classification (germline): Uncertain significance (1 of 4 stars; one submission).

Conditions:
Immunodeficiency. Identifiers: MedGen C0021051, MONDO:0021094, HP:0002721.

Allele frequency attached by ClinVar (database versions not stated): gnomAD exomes below 0.00001; TOPMed 0.00001; ExAC 0.00002; gnomAD 0.00002; ESP Exome Variant Server 0.00008.

Submission:

Labcorp Genetics (formerly Invitae), Labcorp
Classification: Uncertain significance for Immunodeficiency. Last evaluated: 2025-09-03. Review status: criteria provided, single submitter. Criteria: Invitae Variant Classification Sherloc (09022015). Collection method: clinical testing. Allele origin: germline.
Comment: This sequence change replaces aspartic acid, which is acidic and polar, with asparagine, which is neutral and polar, at codon 1004 of the NFAT5 protein (p.Asp1004Asn). This variant is present in population databases (rs373843815, gnomAD 0.002%). This variant has not been reported in the literature in individuals affected with NFAT5-related conditions. ClinVar contains an entry for this variant (Variation ID: 2187052). An algorithm developed to predict the effect of missense changes on protein structure and function (PolyPhen-2) suggests that this variant is likely to be disruptive. In summary, the available evidence is currently insufficient to determine the role of this variant in disease. Therefore, it has been classified as a Variant of Uncertain Significance.

NM_138713.4(NFAT5):c.3292G>A (p.Asp1098Asn)

Gene: NFAT5 (nuclear factor of activated T cells 5; plus strand). Cytogenetic location: 16q22.1.
Variant type: single nucleotide variant.
Coding change: c.3292G>A on transcript NM_138713.4 (MANE Select); coding-DNA position 3292, G replaced by A.
Protein change: p.Asp1098Asn; replaces aspartic acid 1098 with asparagine.
Molecular consequence: missense variant.
Genome position (GRCh38, 1-based): chr16:69,693,117, G>A. VCF-style: chr16-69693117-G-A. GRCh37 (hg19) VCF-style: chr16-69727020-G-A.
Other names: c.3289G>A, p.Asp1097Asn (NM_001113178.3); c.2617G>A, p.Asp873Asn (NM_001367709.1); c.3238G>A, p.Asp1080Asn (NM_006599.4); c.3010G>A, p.Asp1004Asn (NM_138714.4, NM_173214.3, NM_173215.3); short protein forms D1097N, D1004N, D1080N, D873N, D1098N.
Identifiers: ClinVar variation 2187052 (VCV002187052.4), dbSNP rs373843815, ClinGen allele CA8135882.